The following is an entry in ClinVar:

NM_016529.6(ATP8A2):c.2378G>T (p.Cys793Phe)

Gene: ATP8A2 (ATPase phospholipid transporting 8A2). Cytogenetic location: 13q12.13.
Variant type: single nucleotide variant.
Coding change: c.2378G>T on transcript NM_016529.6 (MANE Select); coding-DNA position 2378, G replaced by T.
Protein change: p.Cys793Phe; replaces cysteine 793 with phenylalanine.
Molecular consequence: missense variant.
Genome position (GRCh38, 1-based): chr13:25,699,339, G>T. VCF-style: chr13-25699339-G-T. GRCh37 (hg19) VCF-style: chr13-26273477-G-T.
Other names: c.2258G>T, p.Cys753Phe (NM_001313741.1); short protein forms C753F, C793F.
Identifiers: ClinVar variation 1503628 (VCV001503628.8), dbSNP rs2137912652, ClinGen allele CA387680994.
Genomic context (GRCh38, chr13:25,699,339, plus strand): 5'-TCTCCTTCGAAGTCCGGAGGAGTTTCCTGGATTTGGCACTCTCGTGCAAAGCGGTCATAT[G>T]CTGCAGGTAGGAACCTGCAGGCTGTGCACAGTTCACACTCTGCTGTGTCTGTATCCCGTG-3'
Protein context (NP_057613.4, residues 783-803): DLALSCKAVI[Cys793Phe]CRVSPLQKSE

ClinVar aggregate classification (germline): Uncertain significance (1 of 4 stars; one submission).

Submission:

Labcorp Genetics (formerly Invitae), Labcorp
Classification: Uncertain significance. Last evaluated: 2025-01-27. Review status: criteria provided, single submitter. Criteria: Invitae Variant Classification Sherloc (09022015). Collection method: clinical testing. Allele origin: germline.
Comment: This sequence change replaces cysteine, which is neutral and slightly polar, with phenylalanine, which is neutral and non-polar, at codon 793 of the ATP8A2 protein (p.Cys793Phe). This variant is not present in population databases (gnomAD no frequency). This variant has not been reported in the literature in individuals affected with ATP8A2-related conditions. ClinVar contains an entry for this variant (Variation ID: 1503628). Invitae Evidence Modeling of protein sequence and biophysical properties (such as structural, functional, and spatial information, amino acid conservation, physicochemical variation, residue mobility, and thermodynamic stability) indicates that this missense variant is not expected to disrupt ATP8A2 protein function with a negative predictive value of 80%. In summary, the available evidence is currently insufficient to determine the role of this variant in disease. Therefore, it has been classified as a Variant of Uncertain Significance.